The following is an entry in ClinVar:

ClinVar aggregate classification (germline): Uncertain significance (1 of 4 stars; one submission).

Conditions:
Agammaglobulinemia 4, autosomal recessive (AGM4). Also called: B cell linker protein deficiency; AGAMMAGLOBULINEMIA, AUTOSOMAL RECESSIVE, DUE TO BLNK DEFECT. Identifiers: MedGen C3150752, MONDO:0013289, OMIM 613502.

Allele frequency attached by ClinVar (database versions not stated): gnomAD 0.00001; gnomAD exomes 0.00001; ExAC 0.00001; TOPMed 0.00002.
gnomAD v4.1: 22 of 1,613,720 alleles (0.0014%); highest among the groups gnomAD compares: African/African-American, 0.004%; no homozygotes.

Submission:

Labcorp Genetics (formerly Invitae), Labcorp
Classification: Uncertain significance for Agammaglobulinemia 4, autosomal recessive. Last evaluated: 2021-11-10. Review status: criteria provided, single submitter. Criteria: Invitae Variant Classification Sherloc (09022015). Collection method: clinical testing. Allele origin: germline.
Comment: This sequence change replaces alanine, which is neutral and non-polar, with threonine, which is neutral and polar, at codon 53 of the BLNK protein (p.Ala53Thr). This variant is present in population databases (rs782259412, gnomAD 0.004%). This variant has not been reported in the literature in individuals affected with BLNK-related conditions. Algorithms developed to predict the effect of missense changes on protein structure and function (SIFT, PolyPhen-2, Align-GVGD) all suggest that this variant is likely to be tolerated. In summary, the available evidence is currently insufficient to determine the role of this variant in disease. Therefore, it has been classified as a Variant of Uncertain Significance.

NM_013314.4(BLNK):c.157G>A (p.Ala53Thr)

Gene: BLNK (B cell linker; minus strand). Cytogenetic location: 10q24.1.
Variant type: single nucleotide variant.
Coding change: c.157G>A on transcript NM_013314.4 (MANE Select); coding-DNA position 157, G replaced by A.
Protein change: p.Ala53Thr; replaces alanine 53 with threonine.
Molecular consequence: missense variant. On other transcripts: non-coding transcript variant (4).
Genome position (GRCh38, 1-based): chr10:96,242,741, C>T on the plus strand (G>A on the coding strand, the complement: BLNK is on the minus strand). VCF-style: chr10-96242741-C-T. GRCh37 (hg19) VCF-style: chr10-98002497-C-T.
Other names: c.157G>A, p.Ala53Thr (NM_001114094.2, NM_001258440.2, NM_001258441.2 and 1 more transcripts); short protein forms A53T.
Identifiers: ClinVar variation 1485348 (VCV001485348.3), dbSNP rs782259412, ClinGen allele CA5623583.